The following is an entry in ClinVar:

NM_006231.4(POLE):c.1426C>T (p.Pro476Ser)

Gene: POLE (DNA polymerase epsilon, catalytic subunit; minus strand). Cytogenetic location: 12q24.33.
Variant type: single nucleotide variant.
Coding change: c.1426C>T on transcript NM_006231.4 (MANE Select); coding-DNA position 1426, C replaced by T.
Protein change: p.Pro476Ser; replaces proline 476 with serine.
Molecular consequence: missense variant.
Genome position (GRCh38, 1-based): chr12:132,673,211, G>A on the plus strand (C>T on the coding strand, the complement: POLE is on the minus strand). VCF-style: chr12-132673211-G-A. GRCh37 (hg19) VCF-style: chr12-133249797-G-A.
Other names: short protein forms P476S.
Identifiers: ClinVar variation 540741 (VCV000540741.8), dbSNP rs1555228469, ClinGen allele CA387358359.
Genomic context (GRCh38, chr12:132,673,211, plus strand): 5'-AGATAATGCTCACCTCGTCGGGCTCCATGGGAATAATGGTGCACAGAGCAAAGATGAATG[G>A]GTGGACGTACTTCATGTACAGGTAGTAAGTGGCGACAGCATCTGACACAGAATACGTGGC-3'
Protein context (NP_006222.2, residues 466-486): TYYLYMKYVH[Pro476Ser]FIFALCTIIP

ClinVar aggregate classification (germline): Uncertain significance (1 of 4 stars; one submission).

Submission:

Labcorp Genetics (formerly Invitae), Labcorp
Classification: Uncertain significance. Last evaluated: 2024-12-09. Review status: criteria provided, single submitter. Criteria: Invitae Variant Classification Sherloc (09022015). Collection method: clinical testing. Allele origin: germline.
Comment: This sequence change replaces proline, which is neutral and non-polar, with serine, which is neutral and polar, at codon 476 of the POLE protein (p.Pro476Ser). This variant is not present in population databases (gnomAD no frequency). This variant has not been reported in the literature in individuals affected with POLE-related conditions. ClinVar contains an entry for this variant (Variation ID: 540741). Invitae Evidence Modeling of protein sequence and biophysical properties (such as structural, functional, and spatial information, amino acid conservation, physicochemical variation, residue mobility, and thermodynamic stability) indicates that this missense variant is expected to disrupt POLE protein function with a positive predictive value of 80%. In summary, the available evidence is currently insufficient to determine the role of this variant in disease. Therefore, it has been classified as a Variant of Uncertain Significance.